The following is an entry in ClinVar:

ClinVar aggregate classification (germline): Uncertain significance (1 of 4 stars; one submission).

Conditions:
Inosine triphosphatase deficiency. Also called: INOSINE TRIPHOSPHATE PYROPHOSPHOHYDROLASE DEFICIENCY. Identifiers: MedGen C0342800, MONDO:0013461, OMIM 613850.

Allele frequency attached by ClinVar (database versions not stated): gnomAD exomes below 0.00001; TOPMed below 0.00001; gnomAD 0.00001.
gnomAD v4.1: 4 of 1,610,538 alleles (0.00025%); highest among the groups gnomAD compares: African/African-American, 0.0013%; no homozygotes.

Submission:

Labcorp Genetics (formerly Invitae), Labcorp
Classification: Uncertain significance for Inosine triphosphatase deficiency. Last evaluated: 2022-07-26. Review status: criteria provided, single submitter. Criteria: Invitae Variant Classification Sherloc (09022015). Collection method: clinical testing. Allele origin: germline.
Comment: This sequence change replaces arginine, which is basic and polar, with glutamine, which is neutral and polar, at codon 135 of the ITPA protein (p.Arg135Gln). The frequency data for this variant in the population databases is considered unreliable, as metrics indicate poor data quality at this position in the gnomAD database. This variant has not been reported in the literature in individuals affected with ITPA-related conditions. ClinVar contains an entry for this variant (Variation ID: 1362376). Algorithms developed to predict the effect of missense changes on protein structure and function output the following: SIFT: "Tolerated"; PolyPhen-2: "Benign"; Align-GVGD: "Class C0". The glutamine amino acid residue is found in multiple mammalian species, which suggests that this missense change does not adversely affect protein function. In summary, the available evidence is currently insufficient to determine the role of this variant in disease. Therefore, it has been classified as a Variant of Uncertain Significance.

NM_033453.4(ITPA):c.404G>A (p.Arg135Gln)

Genes: ITPA (inosine triphosphatase; plus strand), LOC130065322 (ATAC-STARR-seq lymphoblastoid silent region 12615; plus strand). Cytogenetic location: 20p13.
Variant type: single nucleotide variant.
Coding change: c.404G>A on transcript NM_033453.4 (MANE Select); coding-DNA position 404, G replaced by A.
Protein change: p.Arg135Gln; replaces arginine 135 with glutamine.
Molecular consequence: missense variant. On other transcripts: non-coding transcript variant (2).
Genome position (GRCh38, 1-based): chr20:3,218,625, G>A. VCF-style: chr20-3218625-G-A. GRCh37 (hg19) VCF-style: chr20-3199271-G-A.
Other names: c.281G>A, p.Arg94Gln (NM_001267623.2); c.67G>A, p.Gly23Arg (NM_001324236.2, NM_001324237.2, NM_001351739.2 and 1 more transcripts); c.353G>A, p.Arg118Gln (NM_181493.4); c.404G>A, p.Arg135Gln (NM_001324240.2); short protein forms G23R, R118Q, R135Q, R94Q.
Identifiers: ClinVar variation 1362376 (VCV001362376.4), dbSNP rs1328303955, ClinGen allele CA408080001.